The following is an entry in ClinVar:

NM_001007544.4(RHEX):c.495G>A (p.Ala165=)

Gene: RHEX (regulator of hemoglobinization and erythroid cell expansion; plus strand). Cytogenetic location: 1q32.1.
Variant type: single nucleotide variant.
Coding change: c.495G>A on transcript NM_001007544.4 (MANE Select); coding-DNA position 495, G replaced by A.
Protein change: p.Ala165=; no amino-acid change (alanine 165 retained).
Molecular consequence: synonymous variant.
Genome position (GRCh38, 1-based): chr1:206,101,928, G>A. VCF-style: chr1-206101928-G-A. GRCh37 (hg19) VCF-style: chr1-206239403-C-T.
Other names: c.495G>A, p.Ala165= (NM_001369490.1).
Identifiers: ClinVar variation 3059404 (VCV003059404.2), dbSNP rs28602496, ClinGen allele CA1359568.
Genomic context (GRCh38, chr1:206,101,928, plus strand): 5'-TCCAGAAAGACACAAGCCCAGTTTCTGGTATTTTGTCAACCCTGCTCTGTCTGAGCCAGC[G>A]GAATATGATCAAGTGGCCATGTGAATTCCAAATATTTTTAATGGGGTCCAGTTCTCTATG-3'
Protein context (NP_001007545.1, residues 155-172): YFVNPALSEP[Ala165=]EYDQVAM

ClinVar aggregate classification (germline): Benign (0 of 4 stars; one submission).

Conditions:
RHEX-related disorder. Also called: RHEX-related condition.

Allele frequency attached by ClinVar (database versions not stated): gnomAD exomes 0.09339; ESP Exome Variant Server 0.09496; TOPMed 0.09784; gnomAD 0.09934; ExAC 0.10447; 1000 Genomes Project 30x 0.10587; 1000 Genomes Project 0.10923.
gnomAD v4.1: 151,550 of 1,611,140 alleles (9.4%); highest among the groups gnomAD compares: South Asian, 19%; 7,894 homozygotes.

Submission:

PreventionGenetics, part of Exact Sciences
Classification: Benign for RHEX-related condition. Last evaluated: 2019-11-25. Review status: no assertion criteria provided. Collection method: clinical testing. Allele origin: germline.
Comment: This variant is classified as benign based on ACMG/AMP sequence variant interpretation guidelines (Richards et al. 2015 PMID: 25741868, with internal and published modifications).